The following is an entry in ClinVar:

ClinVar aggregate classification (germline): Uncertain significance. Review status: criteria provided, multiple submitters, no conflicts (2 of 4 stars). 3 submissions from 3 submitters: Uncertain significance (3). Last evaluated 2025-06-19.

Conditions:
Hereditary cancer-predisposing syndrome. Also called: Hereditary neoplastic syndrome; Neoplastic Syndromes, Hereditary; Hereditary Cancer Syndrome; Tumor predisposition. Identifiers: Orphanet 140162, MedGen C0027672, MeSH D009386, MONDO:0015356.

Allele frequency attached by ClinVar (database versions not stated): gnomAD exomes below 0.00001; ExAC 0.00001; gnomAD 0.00001; 1000 Genomes Project 30x 0.00016; 1000 Genomes Project 0.00020.
gnomAD v4.1: 1 of 1,613,106 alleles (0.000062%); highest among the groups gnomAD compares: East Asian, 0.0022%; no homozygotes.

Submissions (3):

Labcorp Genetics (formerly Invitae), Labcorp
Classification: Uncertain significance. Last evaluated: 2025-06-19. Review status: criteria provided, single submitter. Criteria: Invitae Variant Classification Sherloc (09022015). Collection method: clinical testing. Allele origin: germline.
Comment: This sequence change replaces threonine, which is neutral and polar, with isoleucine, which is neutral and non-polar, at codon 363 of the MSH3 protein (p.Thr363Ile). This variant is present in population databases (rs562793293, gnomAD 0.006%). This variant has not been reported in the literature in individuals affected with MSH3-related conditions. ClinVar contains an entry for this variant (Variation ID: 659861). An algorithm developed to predict the effect of missense changes on protein structure and function (PolyPhen-2) suggests that this variant is likely to be tolerated. Experimental studies have shown that this missense change does not substantially affect MSH3 function (PMID: 28973443). RNA analysis performed to evaluate the impact of this missense change on mRNA splicing indicates it does not significantly alter splicing (internal data). In summary, the available evidence is currently insufficient to determine the role of this variant in disease. Therefore, it has been classified as a Variant of Uncertain Significance.

Ambry Genetics
Classification: Uncertain significance for Hereditary cancer-predisposing syndrome. Last evaluated: 2025-05-01. Review status: criteria provided, single submitter. Criteria: Ambry Variant Classification Scheme 2023. Collection method: clinical testing. Allele origin: germline.
Comment: The p.T363I variant (also known as c.1088C>T), located in coding exon 7 of the MSH3 gene, results from a C to T substitution at nucleotide position 1088. The threonine at codon 363 is replaced by isoleucine, an amino acid with similar properties. This amino acid position is not well conserved in available vertebrate species. In addition, the in silico prediction for this alteration is inconclusive. Based on the available evidence, the clinical significance of this variant remains unclear.

Quest Diagnostics Nichols Institute San Juan Capistrano
Classification: Uncertain significance. Last evaluated: 2023-12-15. Review status: criteria provided, single submitter. Criteria: Quest Diagnostics criteria. Collection method: clinical testing. Allele origin: unknown.
Comment: The MSH3 c.1088C>T (p.Thr363Ile) variant has been reported in the published literature in a functional study that showed inconclusive results regarding the variant's impact on protein function (PMID: 28973443 (2017)). The frequency of this variant in the general population, 0.000004 (1/251390 chromosomes (Genome Aggregation Database)), is uninformative in the assessment of its pathogenicity. Analysis of this variant using bioinformatics tools for the prediction of the effect of amino acid changes on protein structure and function yielded predictions that this variant is benign. Based on the available information, we are unable to determine the clinical significance of this variant.

Literature cited by the submitters: PubMed 28973443 (cited by Labcorp Genetics (formerly Invitae), Labcorp and Quest Diagnostics Nichols Institute San Juan Capistrano).

NM_002439.5(MSH3):c.1088C>T (p.Thr363Ile)

Gene: MSH3 (mutS homolog 3; plus strand). Cytogenetic location: 5q14.1.
Variant type: single nucleotide variant.
Coding change: c.1088C>T on transcript NM_002439.5 (MANE Select); coding-DNA position 1088, C replaced by T.
Protein change: p.Thr363Ile; replaces threonine 363 with isoleucine.
Molecular consequence: missense variant.
Genome position (GRCh38, 1-based): chr5:80,675,043, C>T. VCF-style: chr5-80675043-C-T. GRCh37 (hg19) VCF-style: chr5-79970862-C-T.
Other names: c.1088C>T (NM_002439.3); short protein forms T363I.
Identifiers: ClinVar variation 659861 (VCV000659861.13), dbSNP rs562793293, ClinGen allele CA3327795.